The following is an entry in ClinVar:

ClinVar aggregate classification (germline): Uncertain significance (1 of 4 stars; one submission).

Conditions:
TTN-related disorder. Also called: TTN-related disorders; TTN-related condition; TTN-related disease.

Submission:

PreventionGenetics, part of Exact Sciences
Classification: Uncertain significance for TTN-related condition. Last evaluated: 2025-10-09. Review status: criteria provided, single submitter. Criteria: ACMG Guidelines, 2015. Collection method: clinical testing. Allele origin: germline.
Comment: The TTN c.15224C>A variant is predicted to result in the amino acid substitution p.Thr5075Lys. This variant is also referred to as c.15224C>A (p.Thr5075Lys) in the Novex-3 transcript NM_133379. This variant is located in exon 46 of the Novex-3 transcript (minor small cardiac isoform) which is the last exon of this transcript. This exon is not included in any other TTN transcripts (principle cardiac or skeletal muscle isoforms). To our knowledge, this variant has not been reported in the literature. This variant is reported in 0.038% of alleles in individuals of Latino descent in gnomAD. At this time, the clinical significance of this variant is uncertain due to the absence of conclusive functional and genetic evidence.

NM_001267550.2(TTN):c.11312-5255C>A

Gene: TTN (titin; minus strand). Cytogenetic location: 2q31.2.
Variant type: single nucleotide variant.
Coding change: c.11312-5255C>A on transcript NM_001267550.2 (MANE Select); 5255 bases into the intron before coding-DNA position 11312, C replaced by A.
Molecular consequence: intron variant. On other transcripts: missense variant (1).
Genome position (GRCh38, 1-based): chr2:178,747,176, G>T on the plus strand (C>A on the coding strand, the complement: TTN is on the minus strand). VCF-style: chr2-178747176-G-T. GRCh37 (hg19) VCF-style: chr2-179611903-G-T.
Other names: c.15224C>A, p.Thr5075Lys (NM_133379.5); c.10223-5255C>A (NM_003319.4); c.10799-5255C>A (NM_133437.4); c.10598-5255C>A (NM_133432.3); c.10360+5948C>A (NM_133378.4); c.10361-5255C>A (NM_001256850.1); short protein forms T5075K.
Identifiers: ClinVar variation 4980747 (VCV004980747.1).